The following is an entry in ClinVar:

ClinVar aggregate classification (germline): Uncertain significance. Review status: criteria provided, multiple submitters, no conflicts (2 of 4 stars). 4 submissions from 4 submitters: Uncertain significance (4). Last evaluated 2026-07-08.

Conditions:
Senior-Loken syndrome 4 (SLSN4). Identifiers: Orphanet 3156, MedGen C1846979, MONDO:0011756, OMIM 606996.
Nephronophthisis 4 (NPHP4). Also called: NEPHRONOPHTHISIS 4, JUVENILE. Identifiers: Orphanet 655, MedGen C1847013, MONDO:0011752, OMIM 606966.
NPHP4-related disorder. Also called: NPHP4-related condition; NPHP4-related disorders. Identifiers: MedGen CN239384.
Nephronophthisis. Also called: Juvenile Nephronophthisis. Identifiers: Orphanet 655, MedGen C0687120, MONDO:0019005, HP:0000090.

Allele frequency attached by ClinVar (database versions not stated): gnomAD 0.00001 and 0.00003; TOPMed 0.00002; ExAC 0.00004; gnomAD exomes 0.00004 and 0.00007.
gnomAD v4.1: 73 of 1,613,402 alleles (0.0045%); highest among the groups gnomAD compares: Middle Eastern, 0.082%; 1 homozygote.

Submissions (4):

PreventionGenetics, part of Exact Sciences
Classification: Uncertain significance for NPHP4-related condition. Last evaluated: 2026-07-08. Review status: criteria provided, single submitter. Criteria: ACMG Guidelines, 2015. Collection method: clinical testing. Allele origin: germline.
Comment: The NPHP4 c.3039G>C variant is predicted to result in the amino acid substitution p.Glu1013Asp. This variant was reported in a large cohort of individuals undergoing genetic testing (supplementary data, Stranneheim et al. 2021. PubMed ID: 33726816). This variant is reported in 0.046% of alleles in individuals of South Asian descent in gnomAD. At this time, the clinical significance of this variant is uncertain due to the absence of conclusive functional and genetic evidence.

Blueprint Genetics
Classification: Uncertain significance. Last evaluated: 2024-08-12. Review status: criteria provided, single submitter. Criteria: ACMG Guidelines, 2015. Collection method: clinical testing. Allele origin: germline.

Labcorp Genetics (formerly Invitae), Labcorp
Classification: Uncertain significance for Nephronophthisis. Last evaluated: 2023-12-11. Review status: criteria provided, single submitter. Criteria: Invitae Variant Classification Sherloc (09022015). Collection method: clinical testing. Allele origin: germline.
Comment: This sequence change replaces glutamic acid, which is acidic and polar, with aspartic acid, which is acidic and polar, at codon 1013 of the NPHP4 protein (p.Glu1013Asp). This variant is present in population databases (rs747091960, gnomAD 0.05%). This variant has not been reported in the literature in individuals affected with NPHP4-related conditions. ClinVar contains an entry for this variant (Variation ID: 845019). Advanced modeling of protein sequence and biophysical properties (such as structural, functional, and spatial information, amino acid conservation, physicochemical variation, residue mobility, and thermodynamic stability) has been performed at Invitae for this missense variant, however the output from this modeling did not meet the statistical confidence thresholds required to predict the impact of this variant on NPHP4 protein function. In summary, the available evidence is currently insufficient to determine the role of this variant in disease. Therefore, it has been classified as a Variant of Uncertain Significance.

Fulgent Genetics
Classification: Uncertain significance for Nephronophthisis 4; Senior-Loken syndrome 4. Last evaluated: 2022-05-17. Review status: criteria provided, single submitter. Criteria: ACMG Guidelines, 2015. Collection method: clinical testing. Allele origin: unknown.

NM_015102.5(NPHP4):c.3039G>C (p.Glu1013Asp)

Gene: NPHP4 (nephrocystin 4; minus strand). Cytogenetic location: 1p36.31.
Variant type: single nucleotide variant.
Coding change: c.3039G>C on transcript NM_015102.5 (MANE Select); coding-DNA position 3039, G replaced by C.
Protein change: p.Glu1013Asp; replaces glutamic acid 1013 with aspartic acid.
Molecular consequence: missense variant. On other transcripts: non-coding transcript variant (1).
Genome position (GRCh38, 1-based): chr1:5,874,879, C>G on the plus strand (G>C on the coding strand, the complement: NPHP4 is on the minus strand). VCF-style: chr1-5874879-C-G. GRCh37 (hg19) VCF-style: chr1-5934939-C-G.
Other names: c.1500G>C, p.Glu500Asp (NM_001291593.2); c.1503G>C, p.Glu501Asp (NM_001291594.2); short protein forms E1013D, E500D, E501D.
Identifiers: ClinVar variation 845019 (VCV000845019.10), dbSNP rs747091960, ClinGen allele CA553836.